The following is an entry in ClinVar:

GRCh37/hg19 16p13.3(chr16:3761912-4073514)x1

Genes: ADCY9 (adenylate cyclase 9; minus strand), CREBBP (CREB binding protein; minus strand), TRAP1 (TNF receptor associated protein 1; minus strand). Cytogenetic location: 16p13.3.
Variant type: copy number loss.
Change: copy number 1 (one copy instead of two) of chr16:3,761,912-4,073,514 (311.6 kb, GRCh37 coordinates, 1-based), cytogenetic band 16p13.3.
Identifiers: ClinVar variation 3391928 (VCV003391928.1).

ClinVar aggregate classification (germline): Pathogenic (1 of 4 stars; one submission).

Submission:

Quest Diagnostics Nichols Institute San Juan Capistrano
Classification: Pathogenic. Last evaluated: 2023-10-16. Review status: criteria provided, single submitter. Criteria: ACMG/ClinGen CNV Guidelines, 2019. Collection method: clinical testing. Allele origin: unknown.
Comment: This copy number loss involves multiple exons (NM_004380.3) of an intragenic portion of CREBBP (OMIM 600140). Haploinsufficiency of CREBBP (ISCA-466) is associated with Rubinstein-Taybi syndrome 1 (RSTS1; OMIM 180849; Stevens 2019, Cross 2020, Perez-Grijalba 2019). There are no similar copy number losses of this region in the general populations of the Database of Genomic Variants. Therefore, this copy number variant is classified as pathogenic. References: Cross et al., Am J Med Genet A. 2020 Nov;182(11):2508-2520. PMID: 32827181; Perez-Grijalba et al., Mol Genet Genomic Med. 2019 Nov;7(11):e972. PMID: 31566936; Stevens et al., GeneReviews. [2019 Aug]. PMID: 20301699